The following is an entry in ClinVar:

ClinVar aggregate classification (germline): Likely benign. Review status: criteria provided, multiple submitters, no conflicts (2 of 4 stars). 2 submissions from 2 submitters: Likely benign (2). Last evaluated 2025-05-19.

Conditions:
Breast-ovarian cancer, familial, susceptibility to, 4. Identifiers: Orphanet 145, MedGen C3280345, MONDO:0013669, OMIM 614291.

Allele frequency attached by ClinVar (database versions not stated): gnomAD exomes below 0.00001; TOPMed below 0.00001; ExAC 0.00001.
gnomAD v4.1: 2 of 1,610,872 alleles (0.00012%); highest among the groups gnomAD compares: Non-Finnish European, 0.00017%; no homozygotes.

Submissions (2):

Labcorp Genetics (formerly Invitae), Labcorp
Classification: Likely benign for Breast-ovarian cancer, familial, susceptibility to, 4. Last evaluated: 2025-05-19. Review status: criteria provided, single submitter. Criteria: Invitae Variant Classification Sherloc (09022015). Collection method: clinical testing. Allele origin: germline.

Myriad Genetics, Inc.
Classification: Likely benign for Breast-ovarian cancer, familial, susceptibility to, 4. Last evaluated: 2025-02-20. Review status: criteria provided, single submitter. Criteria: Myriad Autosomal Dominant, Autosomal Recessive and X-Linked Classification Criteria (2023). Collection method: clinical testing. Allele origin: unknown.
Comment: This variant is considered likely benign. This variant is intronic and is not expected to impact mRNA splicing.

NM_002878.4(RAD51D):c.83-15G>A

Genes: RAD51D (RAD51 paralog D; minus strand), RAD51L3-RFFL (RAD51L3-RFFL readthrough; minus strand). Cytogenetic location: 17q12.
Variant type: single nucleotide variant.
Coding change: c.83-15G>A on transcript NM_002878.4 (MANE Select); 15 bases into the intron before coding-DNA position 83, G replaced by A.
Molecular consequence: intron variant.
Genome position (GRCh38, 1-based): chr17:35,119,187, C>T on the plus strand (G>A on the coding strand, the complement: RAD51D is on the minus strand). VCF-style: chr17-35119187-C-T. GRCh37 (hg19) VCF-style: chr17-33446206-C-T.
Other names: c.83-15G>A (NM_133629.3, NM_001142571.2).
Identifiers: ClinVar variation 1596450 (VCV001596450.9), dbSNP rs778766755, ClinGen allele CA8499672.